The following is an entry in ClinVar:

NM_025137.4(SPG11):c.2924T>C (p.Leu975Pro)

Gene: SPG11 (SPG11 vesicle trafficking associated, spatacsin; minus strand). Cytogenetic location: 15q21.1.
Variant type: single nucleotide variant.
Coding change: c.2924T>C on transcript NM_025137.4 (MANE Select); coding-DNA position 2924, T replaced by C.
Protein change: p.Leu975Pro; replaces leucine 975 with proline.
Molecular consequence: missense variant.
Genome position (GRCh38, 1-based): chr15:44,615,477, A>G on the plus strand (T>C on the coding strand, the complement: SPG11 is on the minus strand). VCF-style: chr15-44615477-A-G. GRCh37 (hg19) VCF-style: chr15-44907675-A-G.
Other names: c.2924T>C, p.Leu975Pro (NM_001160227.2); short protein forms L975P.
Identifiers: ClinVar variation 406530 (VCV000406530.7), dbSNP rs758207568, ClinGen allele CA7535101.

ClinVar aggregate classification (germline): Uncertain significance (1 of 4 stars; one submission).

Conditions:
Hereditary spastic paraplegia 11. Also called: Spastic Paraplegia 11; Spastic paraplegia, mental retardation and thin corpus callosum; Nakamura Osame syndrome; Autosomal recessive hereditary spastic paraplegia, mental impairment, and thin corpus callosum; SPASTIC PARAPLEGIA, AUTOSOMAL RECESSIVE, COMPLICATED, WITH THIN CORPUS CALLOSUM; SPASTIC PARAPLEGIA, AUTOSOMAL RECESSIVE, WITH MENTAL IMPAIRMENT AND THIN CORPUS CALLOSUM. Identifiers: Orphanet 2822, MedGen C1858479, MONDO:0011445, OMIM 604360.

Allele frequency attached by ClinVar (database versions not stated): gnomAD exomes below 0.00001; ExAC 0.00001; TOPMed 0.00001.
gnomAD v4.1: 6 of 1,614,066 alleles (0.00037%); highest among the groups gnomAD compares: East Asian, 0.0022%; no homozygotes.

Submission:

Labcorp Genetics (formerly Invitae), Labcorp
Classification: Uncertain significance for Hereditary spastic paraplegia 11. Last evaluated: 2021-04-12. Review status: criteria provided, single submitter. Criteria: Invitae Variant Classification Sherloc (09022015). Collection method: clinical testing. Allele origin: germline.
Comment: This sequence change replaces leucine with proline at codon 975 of the SPG11 protein (p.Leu975Pro). The leucine residue is moderately conserved and there is a moderate physicochemical difference between leucine and proline. This variant is present in population databases (rs758207568, ExAC 0.01%) but has not been reported in the literature in individuals with a SPG11-related disease. Algorithms developed to predict the effect of missense changes on protein structure and function do not agree on the potential impact of this missense change (SIFT: "Tolerated"; PolyPhen-2: "Probably Damaging"; Align-GVGD: "Class C0"). In summary, this variant is a rare missense change with uncertain impact on protein function. There is no indication that it causes disease, but the available evidence is currently insufficient to prove that conclusively. Therefore, it has been classified as a Variant of Uncertain Significance.